The following is an entry in ClinVar:

NM_004551.3(NDUFS3):c.255G>C (p.Glu85Asp)

Gene: NDUFS3 (NADH:ubiquinone oxidoreductase core subunit S3; plus strand). Cytogenetic location: 11p11.2.
Variant type: single nucleotide variant.
Coding change: c.255G>C on transcript NM_004551.3 (MANE Select); coding-DNA position 255, G replaced by C.
Protein change: p.Glu85Asp; replaces glutamic acid 85 with aspartic acid.
Molecular consequence: missense variant.
Genome position (GRCh38, 1-based): chr11:47,580,858, G>C. VCF-style: chr11-47580858-G-C. GRCh37 (hg19) VCF-style: chr11-47602410-G-C.
Other names: c.255G>C (NM_004551.2); short protein forms E85D.
Identifiers: ClinVar variation 2164339 (VCV002164339.5), dbSNP rs771848158, ClinGen allele CA5977919.
Genomic context (GRCh38, chr11:47,580,858, plus strand): 5'-CTCTTTGTTCCCTCTCCCCTCACTTTCATGTGTGCAGGTGTCCTGCTTCAATGAGTTAGA[G>C]GTCTGTATCCATCCTGATGGCGTCATCCCAGTGCTGACTTTCCTCAGGGATCACACCAAT-3'
Protein context (NP_004542.1, residues 75-95): QVQVSCFNEL[Glu85Asp]VCIHPDGVIP

ClinVar aggregate classification (germline): Uncertain significance. Review status: criteria provided, multiple submitters, no conflicts (2 of 4 stars). 2 submissions from 2 submitters: Uncertain significance (2). Last evaluated 2022-09-22.

Conditions:
Inborn genetic diseases. Identifiers: MedGen C0950123, MeSH D030342.

Submissions (2):

Ambry Genetics
Classification: Uncertain significance for Inborn genetic diseases. Last evaluated: 2022-09-22. Review status: criteria provided, single submitter. Criteria: Ambry Variant Classification Scheme 2023. Collection method: clinical testing. Allele origin: germline.

Labcorp Genetics (formerly Invitae), Labcorp
Classification: Uncertain significance. Last evaluated: 2022-08-04. Review status: criteria provided, single submitter. Criteria: Invitae Variant Classification Sherloc (09022015). Collection method: clinical testing. Allele origin: germline.
Comment: In summary, the available evidence is currently insufficient to determine the role of this variant in disease. Therefore, it has been classified as a Variant of Uncertain Significance. Algorithms developed to predict the effect of missense changes on protein structure and function are either unavailable or do not agree on the potential impact of this missense change (SIFT: "Deleterious"; PolyPhen-2: "Benign"; Align-GVGD: "Class C35"). This variant has not been reported in the literature in individuals affected with NDUFS3-related conditions. This variant is present in population databases (rs771848158, gnomAD 0.09%). This sequence change replaces glutamic acid, which is acidic and polar, with aspartic acid, which is acidic and polar, at codon 85 of the NDUFS3 protein (p.Glu85Asp).